The following is an entry in ClinVar:

NM_033310.3(KCNK4):c.597G>C (p.Lys199Asn)

Genes: KCNK4 (potassium two pore domain channel subfamily K member 4; plus strand), KCNK4-CATSPERZ (KCNK4-CATSPERZ readthrough (NMD candidate); plus strand). Cytogenetic location: 11q13.1.
Variant type: single nucleotide variant.
Coding change: c.597G>C on transcript NM_033310.3 (MANE Select); coding-DNA position 597, G replaced by C.
Protein change: p.Lys199Asn; replaces lysine 199 with asparagine.
Molecular consequence: missense variant. On other transcripts: non-coding transcript variant (1).
Genome position (GRCh38, 1-based): chr11:64,297,589, G>C. VCF-style: chr11-64297589-G-C. GRCh37 (hg19) VCF-style: chr11-64065061-G-C.
Other names: c.597G>C, p.Lys199Asn (NM_001317090.2, NM_033311.1); short protein forms K199N.
Identifiers: ClinVar variation 2530006 (VCV002530006.16), dbSNP rs1286520431, ClinGen allele CA381166334.

ClinVar aggregate classification (germline): Uncertain significance. Review status: criteria provided, multiple submitters, no conflicts (2 of 4 stars). 2 submissions from 2 submitters: Uncertain significance (2). Last evaluated 2024-10-01.

Allele frequency attached by ClinVar (database versions not stated): gnomAD exomes below 0.00001.
gnomAD v4.1: 6 of 1,614,184 alleles (0.00037%); highest among the groups gnomAD compares: Non-Finnish European, 0.00051%; no homozygotes.

Submissions (2):

CeGaT Center for Human Genetics Tuebingen
Classification: Uncertain significance. Last evaluated: 2024-10-01. Review status: criteria provided, single submitter. Criteria: CeGaT Center For Human Genetics Tuebingen Variant Classification Criteria Version 2. Collection method: clinical testing. Allele origin: germline. Affected: yes. Observed: 1 variant allele.
Comment: KCNK4: PM2:Supporting, BP4

Ambry Genetics
Classification: Uncertain significance. Last evaluated: 2023-03-27. Review status: criteria provided, single submitter. Criteria: Ambry Variant Classification Scheme 2023. Collection method: clinical testing. Allele origin: germline.